The following is an entry in ClinVar:

ClinVar aggregate classification (germline): Uncertain significance (1 of 4 stars; one submission).

Conditions:
Dilated cardiomyopathy 1HH (CMD1HH). Identifiers: Orphanet 154, MedGen C3151293, MONDO:0013479, OMIM 613881.
Myofibrillar myopathy 6. Identifiers: Orphanet 199340, MedGen C2751831, MONDO:0013061, OMIM 612954.

Submission:

Labcorp Genetics (formerly Invitae), Labcorp
Classification: Uncertain significance for Dilated cardiomyopathy 1HH; Myofibrillar myopathy 6. Last evaluated: 2025-12-01. Review status: criteria provided, single submitter. Criteria: Invitae Variant Classification Sherloc (09022015). Collection method: clinical testing. Allele origin: germline.
Comment: This sequence change replaces glutamine, which is neutral and polar, with arginine, which is basic and polar, at codon 146 of the BAG3 protein (p.Gln146Arg). This variant is not present in population databases (gnomAD no frequency). This variant has not been reported in the literature in individuals affected with BAG3-related conditions. Invitae Evidence Modeling of protein sequence and biophysical properties (such as structural, functional, and spatial information, amino acid conservation, physicochemical variation, residue mobility, and thermodynamic stability) indicates that this missense variant is not expected to disrupt BAG3 protein function with a negative predictive value of 80%. In summary, the available evidence is currently insufficient to determine the role of this variant in disease. Therefore, it has been classified as a Variant of Uncertain Significance.

NM_004281.4(BAG3):c.437A>G (p.Gln146Arg)

Gene: BAG3 (BAG cochaperone 3; plus strand). Cytogenetic location: 10q26.11.
Variant type: single nucleotide variant.
Coding change: c.437A>G on transcript NM_004281.4 (MANE Select); coding-DNA position 437, A replaced by G.
Protein change: p.Gln146Arg; replaces glutamine 146 with arginine.
Molecular consequence: missense variant.
Genome position (GRCh38, 1-based): chr10:119,670,107, A>G. VCF-style: chr10-119670107-A-G. GRCh37 (hg19) VCF-style: chr10-121429619-A-G.
Other names: short protein forms Q146R.
Identifiers: ClinVar variation 4783262 (VCV004783262.1).